The following is an entry in ClinVar:

ClinVar aggregate classification (germline): Uncertain significance (1 of 4 stars; one submission).

Submission:

Labcorp Genetics (formerly Invitae), Labcorp
Classification: Uncertain significance. Last evaluated: 2024-01-08. Review status: criteria provided, single submitter. Criteria: Invitae Variant Classification Sherloc (09022015). Collection method: clinical testing. Allele origin: germline.
Comment: This sequence change replaces glycine, which is neutral and non-polar, with valine, which is neutral and non-polar, at codon 1281 of the COL11A2 protein (p.Gly1281Val). This variant is not present in population databases (gnomAD no frequency). This variant has not been reported in the literature in individuals affected with COL11A2-related conditions. Advanced modeling of protein sequence and biophysical properties (such as structural, functional, and spatial information, amino acid conservation, physicochemical variation, residue mobility, and thermodynamic stability) performed at Invitae indicates that this missense variant is not expected to disrupt COL11A2 protein function with a negative predictive value of 95%. In summary, the available evidence is currently insufficient to determine the role of this variant in disease. Therefore, it has been classified as a Variant of Uncertain Significance.

NM_080680.3(COL11A2):c.3842G>T (p.Gly1281Val)

Gene: COL11A2 (collagen type XI alpha 2 chain; minus strand). Cytogenetic location: 6p21.32.
Variant type: single nucleotide variant.
Coding change: c.3842G>T on transcript NM_080680.3 (MANE Select); coding-DNA position 3842, G replaced by T.
Protein change: p.Gly1281Val; replaces glycine 1281 with valine.
Molecular consequence: missense variant.
Genome position (GRCh38, 1-based): chr6:33,168,965, C>A on the plus strand (G>T on the coding strand, the complement: COL11A2 is on the minus strand). VCF-style: chr6-33168965-C-A. GRCh37 (hg19) VCF-style: chr6-33136742-C-A.
Other names: c.3662G>T, p.Gly1221Val (NM_001424108.1); c.2996G>T, p.Gly999Val (NM_001424109.1); c.2816G>T, p.Gly939Val (NM_001424110.1, NM_001424111.1); c.1796G>T, p.Gly599Val (NM_001424112.1); c.3521G>T, p.Gly1174Val (NM_080679.3); c.3584G>T, p.Gly1195Val (NM_080681.3); short protein forms G1174V, G1195V, G1281V, G939V, G1221V, G599V, G999V.
Identifiers: ClinVar variation 2739012 (VCV002739012.3), dbSNP rs1056744924, ClinGen allele CA363627093.